The following is an entry in ClinVar:

NM_173076.3(ABCA12):c.580del (p.Asp194fs)

Gene: ABCA12 (ATP binding cassette subfamily A member 12; minus strand). Cytogenetic location: 2q35.
Variant type: Deletion.
Coding change: c.580del on transcript NM_173076.3 (MANE Select); coding-DNA position 580, one base deleted (G; older notation c.580delG).
Protein change: p.Asp194fs; shifts the reading frame from aspartic acid 194.
Molecular consequence: frameshift variant. On other transcripts: non-coding transcript variant (1).
Genome position (GRCh38, 1-based): chr2:215,049,739, C deleted on the plus strand (G on the coding strand, the reverse complement: ABCA12 is on the minus strand); the first of 2 consecutive C bases (chr2:215,049,739-215,049,740); deleting either gives the same sequence. VCF-style (leftmost placement, unchanged base first): chr2-215049738-TC-T. GRCh37 (hg19) VCF-style: chr2-215914462-TC-T.
Other names: short protein forms D194fs.
Identifiers: ClinVar variation 4085901 (VCV004085901.8).

ClinVar aggregate classification (germline): Pathogenic (1 of 4 stars; one submission).

Submission:

CeGaT Center for Human Genetics Tuebingen
Classification: Pathogenic. Last evaluated: 2025-08-01. Review status: criteria provided, single submitter. Criteria: CeGaT Center For Human Genetics Tuebingen Variant Classification Criteria Version 2. Collection method: clinical testing. Allele origin: germline. Affected: yes. Observed: 1 variant allele.
Comment: ABCA12: PVS1, PM2